The following is an entry in ClinVar:

ClinVar aggregate classification (germline): Uncertain significance. Review status: criteria provided, multiple submitters, no conflicts (2 of 4 stars). 3 submissions from 3 submitters: Uncertain significance (3). Last evaluated 2026-01-25.

Conditions:
Epilepsy, familial focal, with variable foci 1 (FFEVF1). Also called: DEPDC5-Related Epilepsy. Identifiers: MedGen C4551983, MONDO:0024556, OMIM 604364.
Familial focal epilepsy with variable foci (FPEVF). Identifiers: Orphanet 98820, MedGen C1858477, MONDO:0020310.

Allele frequency attached by ClinVar (database versions not stated): gnomAD exomes 0.00001; ExAC 0.00002; gnomAD 0.00003; TOPMed 0.00006.
gnomAD v4.1: 18 of 1,613,182 alleles (0.0011%); highest among the groups gnomAD compares: African/African-American, 0.0067%; no homozygotes.

Submissions (3):

Labcorp Genetics (formerly Invitae), Labcorp
Classification: Uncertain significance for Familial focal epilepsy with variable foci. Last evaluated: 2026-01-25. Review status: criteria provided, single submitter. Criteria: Invitae Variant Classification Sherloc (09022015). Collection method: clinical testing. Allele origin: germline.
Comment: This sequence change replaces threonine, which is neutral and polar, with methionine, which is neutral and non-polar, at codon 167 of the DEPDC5 protein (p.Thr167Met). This variant is present in population databases (rs575683658, gnomAD 0.004%). This missense change has been observed in individual(s) with clinical features of familial focal epilepsy with variable foci (internal data). ClinVar contains an entry for this variant (Variation ID: 946444). Experimental studies and prediction algorithms are not available or were not evaluated, and the functional significance of this variant is currently unknown. Algorithms developed to predict the effect of sequence changes on RNA splicing suggest that this variant may disrupt the consensus splice site. In summary, the available evidence is currently insufficient to determine the role of this variant in disease. Therefore, it has been classified as a Variant of Uncertain Significance.

GeneDx
Classification: Uncertain significance. Last evaluated: 2023-06-30. Review status: criteria provided, single submitter. Criteria: GeneDx Variant Classification Process June 2021. Collection method: clinical testing. Allele origin: germline. Affected: yes.
Comment: In silico analysis supports that this missense variant has a deleterious effect on protein structure/function; Has not been previously published as pathogenic or benign to our knowledge

Fulgent Genetics
Classification: Uncertain significance for Epilepsy, familial focal, with variable foci 1. Last evaluated: 2021-09-09. Review status: criteria provided, single submitter. Criteria: ACMG Guidelines, 2015. Collection method: clinical testing. Allele origin: unknown.

NM_001242896.3(DEPDC5):c.500C>T (p.Thr167Met)

Gene: DEPDC5 (DEP domain containing 5, GATOR1 subcomplex subunit; plus strand). Cytogenetic location: 22q12.2.
Variant type: single nucleotide variant.
Coding change: c.500C>T on transcript NM_001242896.3 (MANE Select); coding-DNA position 500, C replaced by T.
Protein change: p.Thr167Met; replaces threonine 167 with methionine.
Molecular consequence: missense variant. On other transcripts: non-coding transcript variant (5).
Genome position (GRCh38, 1-based): chr22:31,783,923, C>T. VCF-style: chr22-31783923-C-T. GRCh37 (hg19) VCF-style: chr22-32179909-C-T.
Other names: c.500C>T, p.Thr167Met (NM_001363852.2, NM_001363854.2, NM_001364318.2 and 7 more transcripts); c.416C>T, p.Thr139Met (NM_001369901.1, NM_001369902.1); short protein forms T139M, T167M.
Identifiers: ClinVar variation 946444 (VCV000946444.12), dbSNP rs575683658, ClinGen allele CA10196002.